The following is an entry in ClinVar:

NM_000455.5(STK11):c.290+2T>A

Gene: STK11 (serine/threonine kinase 11; plus strand). Cytogenetic location: 19p13.3.
Variant type: single nucleotide variant.
Coding change: c.290+2T>A on transcript NM_000455.5 (MANE Select); the canonical splice donor site of the intron after coding-DNA position 290, T replaced by A.
Molecular consequence: splice donor variant.
Genome position (GRCh38, 1-based): chr19:1,207,205, T>A. VCF-style: chr19-1207205-T-A. GRCh37 (hg19) VCF-style: chr19-1207204-T-A.
Other names: c.290+2T>A (NM_001407255.1).
Identifiers: ClinVar variation 2566480 (VCV002566480.5), dbSNP rs112235354, ClinGen allele CA402944666.

ClinVar aggregate classification (germline): Pathogenic/Likely pathogenic. Review status: criteria provided, multiple submitters, no conflicts (2 of 4 stars). 2 submissions from 2 submitters: Pathogenic (1); Likely pathogenic (1). Last evaluated 2023-05-11.

Conditions:
Peutz-Jeghers syndrome (PJS). Also called: POLYPOSIS, HAMARTOMATOUS INTESTINAL; POLYPS-AND-SPOTS SYNDROME; Peutz-Jeghers polyposis; Periorificial lentiginosis syndrome. Identifiers: Orphanet 2869, MedGen C0031269, MeSH D010580, MONDO:0008280, OMIM 175200.
Hereditary cancer-predisposing syndrome. Also called: Neoplastic Syndromes, Hereditary; Hereditary Cancer Syndrome; Tumor predisposition; Hereditary neoplastic syndrome. Identifiers: Orphanet 140162, MedGen C0027672, MeSH D009386, MONDO:0015356.

Submissions (2):

Ambry Genetics
Classification: Likely pathogenic for Hereditary cancer-predisposing syndrome. Last evaluated: 2023-05-11. Review status: criteria provided, single submitter. Criteria: Ambry Variant Classification Scheme 2023. Collection method: clinical testing. Allele origin: germline.
Comment: The c.290+2T>A intronic variant results from a T to A substitution two nucleotides after coding exon 1 in the STK11 gene. This alteration has been observed in multiple individuals with a personal history that is consistent with Peutz-Jeghers syndrome (Resta N et al. Dig Liver Dis, 2013 Jul;45:606-11; Ambry internal data). This variant is considered to be rare based on population cohorts in the Genome Aggregation Database (gnomAD). This nucleotide position is highly conserved in available vertebrate species. In silico splice site analysis predicts that this alteration will weaken the native splice donor site and will result in the creation or strengthening of a novel splice donor site; however, direct evidence is insufficient at this time (Ambry internal data). In addition to the clinical data presented in the literature, alterations that disrupt the canonical splice site are expected to cause aberrant splicing, resulting in an abnormal protein or a transcript that is subject to nonsense-mediated mRNA decay. As such, this alteration is classified as likely pathogenic.

Labcorp Genetics (formerly Invitae), Labcorp
Classification: Pathogenic for Peutz-Jeghers syndrome. Last evaluated: 2023-02-14. Review status: criteria provided, single submitter. Criteria: Invitae Variant Classification Sherloc (09022015). Collection method: clinical testing. Allele origin: germline.
Comment: This sequence change affects a donor splice site in intron 1 of the STK11 gene. It is expected to disrupt RNA splicing. Variants that disrupt the donor or acceptor splice site typically lead to a loss of protein function (PMID: 16199547), and loss-of-function variants in STK11 are known to be pathogenic (PMID: 15188174, 16287113). This variant is not present in population databases (gnomAD no frequency). Disruption of this splice site has been observed in individuals with Peutz-Jeghers syndrome (PMID: 19727776, 23415580). Algorithms developed to predict the effect of sequence changes on RNA splicing suggest that this variant may disrupt the consensus splice site. For these reasons, this variant has been classified as Pathogenic.

Literature cited by the submitters: PubMed 23415580 (cited by Ambry Genetics and Labcorp Genetics (formerly Invitae), Labcorp); PubMed 16199547 (cited by Labcorp Genetics (formerly Invitae), Labcorp); PubMed 15188174 (cited by Labcorp Genetics (formerly Invitae), Labcorp); PubMed 16287113 (cited by Labcorp Genetics (formerly Invitae), Labcorp); PubMed 19727776 (cited by Labcorp Genetics (formerly Invitae), Labcorp).